The following is an entry in ClinVar:

ClinVar aggregate classification (germline): Uncertain significance. Review status: criteria provided, multiple submitters, no conflicts (2 of 4 stars). 2 submissions from 2 submitters: Uncertain significance (2). Last evaluated 2024-09-11.

Allele frequency attached by ClinVar (database versions not stated): ExAC 0.00002; gnomAD exomes 0.00002 and 0.00006; TOPMed 0.00002; gnomAD 0.00003.
gnomAD v4.1: 96 of 1,613,704 alleles (0.0059%); highest among the groups gnomAD compares: Non-Finnish European, 0.0074%; no homozygotes.

Submissions (2):

Blueprint Genetics
Classification: Uncertain significance. Last evaluated: 2024-09-11. Review status: criteria provided, single submitter. Criteria: ACMG Guidelines, 2015. Collection method: clinical testing. Allele origin: germline.

Labcorp Genetics (formerly Invitae), Labcorp
Classification: Uncertain significance. Last evaluated: 2022-11-08. Review status: criteria provided, single submitter. Criteria: Invitae Variant Classification Sherloc (09022015). Collection method: clinical testing. Allele origin: germline.
Comment: In summary, the available evidence is currently insufficient to determine the role of this variant in disease. Therefore, it has been classified as a Variant of Uncertain Significance. Advanced modeling of protein sequence and biophysical properties (such as structural, functional, and spatial information, amino acid conservation, physicochemical variation, residue mobility, and thermodynamic stability) performed at Invitae indicates that this missense variant is not expected to disrupt RDH5 protein function. ClinVar contains an entry for this variant (Variation ID: 1507379). This variant has not been reported in the literature in individuals affected with RDH5-related conditions. This variant is present in population databases (rs760444489, gnomAD 0.006%). This sequence change replaces leucine, which is neutral and non-polar, with proline, which is neutral and non-polar, at codon 124 of the RDH5 protein (p.Leu124Pro).

NM_002905.5(RDH5):c.371T>C (p.Leu124Pro)

Genes: BLOC1S1-RDH5 (BLOC1S1-RDH5 readthrough; plus strand), RDH5 (retinol dehydrogenase 5; plus strand). Cytogenetic location: 12q13.2.
Variant type: single nucleotide variant.
Coding change: c.371T>C on transcript NM_002905.5 (MANE Select); coding-DNA position 371, T replaced by C.
Protein change: p.Leu124Pro; replaces leucine 124 with proline.
Molecular consequence: missense variant. On other transcripts: non-coding transcript variant (1).
Genome position (GRCh38, 1-based): chr12:55,721,749, T>C. VCF-style: chr12-55721749-T-C. GRCh37 (hg19) VCF-style: chr12-56115533-T-C.
Other names: c.371T>C, p.Leu124Pro (NM_001199771.3); short protein forms L124P.
Identifiers: ClinVar variation 1507379 (VCV001507379.7), dbSNP rs760444489, ClinGen allele CA6616824.